The following is an entry in ClinVar:

ClinVar aggregate classification (germline): Uncertain significance (1 of 4 stars; one submission).

Conditions:
Inborn genetic diseases. Identifiers: MedGen C0950123, MeSH D030342.

Submission:

Ambry Genetics
Classification: Uncertain significance for Inborn genetic diseases. Last evaluated: 2026-03-09. Review status: criteria provided, single submitter. Criteria: Ambry Variant Classification Scheme 2023. Collection method: clinical testing. Allele origin: germline.
Comment: The p.T614P variant (also known as c.1840A>C), located in coding exon 14 of the FANCG gene, results from an A to C substitution at nucleotide position 1840. The threonine at codon 614 is replaced by proline, an amino acid with highly similar properties. This amino acid position is conserved. In addition, this alteration is predicted to be tolerated by in silico analysis. Based on the available evidence, the clinical significance of this variant remains unclear.

NM_004629.2(FANCG):c.1840A>C (p.Thr614Pro)

Gene: FANCG (FA complementation group G; minus strand). Cytogenetic location: 9p13.3.
Variant type: single nucleotide variant.
Coding change: c.1840A>C on transcript NM_004629.2 (MANE Select); coding-DNA position 1840, A replaced by C.
Protein change: p.Thr614Pro; replaces threonine 614 with proline.
Molecular consequence: missense variant.
Genome position (GRCh38, 1-based): chr9:35,074,137, T>G on the plus strand (A>C on the coding strand, the complement: FANCG is on the minus strand). VCF-style: chr9-35074137-T-G. GRCh37 (hg19) VCF-style: chr9-35074134-T-G.
Other names: short protein forms T614P.
Identifiers: ClinVar variation 4825756 (VCV004825756.1).